The following is an entry in ClinVar:

ClinVar aggregate classification (germline): Uncertain significance (1 of 4 stars; one submission).

gnomAD v4.1: 2 of 1,613,954 alleles (0.00012%); highest among the groups gnomAD compares: Admixed American, 0.0017%; no homozygotes.

Submission:

Labcorp Genetics (formerly Invitae), Labcorp
Classification: Uncertain significance. Last evaluated: 2024-04-03. Review status: criteria provided, single submitter. Criteria: Invitae Variant Classification Sherloc (09022015). Collection method: clinical testing. Allele origin: germline.
Comment: This sequence change replaces methionine, which is neutral and non-polar, with threonine, which is neutral and polar, at codon 478 of the LYN protein (p.Met478Thr). This variant is present in population databases (rs774443127, gnomAD 0.003%). This variant has not been reported in the literature in individuals affected with LYN-related conditions. An algorithm developed to predict the effect of missense changes on protein structure and function (PolyPhen-2) suggests that this variant is likely to be tolerated. In summary, the available evidence is currently insufficient to determine the role of this variant in disease. Therefore, it has been classified as a Variant of Uncertain Significance.

NM_002350.4(LYN):c.1433T>C (p.Met478Thr)

Gene: LYN (LYN proto-oncogene, Src family tyrosine kinase; plus strand). Cytogenetic location: 8q12.1.
Variant type: single nucleotide variant.
Coding change: c.1433T>C on transcript NM_002350.4 (MANE Select); coding-DNA position 1433, T replaced by C.
Protein change: p.Met478Thr; replaces methionine 478 with threonine.
Molecular consequence: missense variant.
Genome position (GRCh38, 1-based): chr8:56,010,004, T>C. VCF-style: chr8-56010004-T-C. GRCh37 (hg19) VCF-style: chr8-56922563-T-C.
Other names: c.1370T>C, p.Met457Thr (NM_001111097.3); short protein forms M478T, M457T.
Identifiers: ClinVar variation 3647843 (VCV003647843.2).